The following is an entry in ClinVar:

ClinVar aggregate classification (germline): Pathogenic. Review status: criteria provided, multiple submitters, no conflicts (2 of 4 stars). 8 submissions from 8 submitters: Pathogenic (7). 1 of the submissions does not count toward it. Last evaluated 2026-01-09.

Conditions:
ALDH3A2-related disorder. Also called: ALDH3A2-related condition.
Sjögren-Larsson syndrome (SLS). Also called: FALDH DEFICIENCY; FATTY ALCOHOL:NAD+ OXIDOREDUCTASE DEFICIENCY; FATTY ALDEHYDE DEHYDROGENASE DEFICIENCY; ICHTHYOSIS, SPASTIC NEUROLOGIC DISORDER, AND OLIGOPHRENIA. Identifiers: Orphanet 816, MedGen C0037231, MONDO:0010031, OMIM 270200.

Allele frequency attached by ClinVar (database versions not stated): ExAC 0.00001; gnomAD exomes 0.00002; gnomAD 0.00003; TOPMed 0.00003; ESP Exome Variant Server 0.00008.
gnomAD v4.1: 59 of 1,614,048 alleles (0.0037%); highest among the groups gnomAD compares: Non-Finnish European, 0.0046%; no homozygotes.

Submissions (8):

Labcorp Genetics (formerly Invitae), Labcorp
Classification: Pathogenic. Last evaluated: 2026-01-09. Review status: criteria provided, single submitter. Criteria: Invitae Variant Classification Sherloc (09022015). Collection method: clinical testing. Allele origin: germline.
Comment: This sequence change replaces threonine, which is neutral and polar, with methionine, which is neutral and non-polar, at codon 184 of the ALDH3A2 protein (p.Thr184Met). This variant is present in population databases (rs72547562, gnomAD 0.005%). This missense change has been observed in individuals with Sjogren-Larsson syndrome (PMID: 10577908, 11408337, 17998529). It has also been observed to segregate with disease in related individuals. ClinVar contains an entry for this variant (Variation ID: 188768). Invitae Evidence Modeling of protein sequence and biophysical properties (such as structural, functional, and spatial information, amino acid conservation, physicochemical variation, residue mobility, and thermodynamic stability) indicates that this missense variant is expected to disrupt ALDH3A2 protein function with a positive predictive value of 95%. Experimental studies have shown that this missense change affects ALDH3A2 function (PMID: 10577908). For these reasons, this variant has been classified as Pathogenic.

Natera, Inc.
Classification: Pathogenic for Sjögren-Larsson syndrome. Last evaluated: 2025-03-31. Review status: criteria provided, single submitter. Criteria: Natera Variant Classification Schema (03/2026). Collection method: clinical testing. Allele origin: germline.
Comment: The c.551C>T variant in ALDH3A2 is a missense variant predicted to cause substitution of threonine to methionine at amino acid 184. This variant is rare in the general population with a frequency below the threshold expected for the associated phenotype(s). This variant has been observed in one or more individuals affected with the associated recessive disease, as either homozygous or compound heterozygous with a second variant (PMID: 11408337, 10577908, 19124283). Given the available evidence, this variant is classified as Pathogenic.

Blueprint Genetics
Classification: Pathogenic for ALDH3A2-related disorders. Last evaluated: 2024-06-03. Review status: criteria provided, single submitter. Criteria: ACMG Guidelines, 2015. Collection method: clinical testing. Allele origin: germline. Affected: yes. Observed: 5 variant alleles.

Fulgent Genetics
Classification: Pathogenic for Sjögren-Larsson syndrome. Last evaluated: 2024-02-27. Review status: criteria provided, single submitter. Criteria: ACMG Guidelines, 2015. Collection method: clinical testing. Allele origin: germline.

Laboratory of Medical Genetics, National & Kapodistrian University of Athens
Classification: Pathogenic for Sjögren-Larsson syndrome. Last evaluated: 2024-02-01. Review status: criteria provided, single submitter. Criteria: ACMG Guidelines, 2015. Collection method: curation. Allele origin: germline. Affected: no.

GeneDx
Classification: Pathogenic. Last evaluated: 2023-01-30. Review status: criteria provided, single submitter. Criteria: GeneDx Variant Classification Process June 2021. Collection method: clinical testing. Allele origin: germline. Affected: yes.
Comment: Published functional studies demonstrate a damaging effect (<1% residual enzyme activity) (Rizzo et al., 1999); Not observed at significant frequency in large population cohorts (gnomAD); In silico analysis supports that this missense variant has a deleterious effect on protein structure/function; This variant is associated with the following publications: (PMID: 10577908, 11408337, 15931689, 19124283, 29302074, 32395410, 29181214)

Revvity Omics, Revvity
Classification: Pathogenic for Sjögren-Larsson syndrome. Last evaluated: 2019-06-19. Review status: criteria provided, single submitter. Criteria: ACMG Guidelines, 2015. Collection method: clinical testing. Allele origin: germline.

Counsyl
Classification: Likely pathogenic for Sjögren-Larsson syndrome. Last evaluated: 2014-04-29. Review status: no assertion criteria provided. Collection method: literature only. Allele origin: unknown. Inheritance: Autosomal recessive inheritance. Not counted in ClinVar's aggregate classification.

Literature cited by the submitters: PubMed 10577908 (cited by Labcorp Genetics (formerly Invitae), Labcorp and Natera, Inc.); PubMed 11408337 (cited by 3 submitters); PubMed 17998529 (cited by Labcorp Genetics (formerly Invitae), Labcorp); PubMed 19124283 (cited by Natera, Inc. and Counsyl).

NM_000382.3(ALDH3A2):c.551C>T (p.Thr184Met)

Gene: ALDH3A2 (aldehyde dehydrogenase 3 family member A2; plus strand). Cytogenetic location: 17p11.2.
Variant type: single nucleotide variant.
Coding change: c.551C>T on transcript NM_000382.3 (MANE Select); coding-DNA position 551, C replaced by T.
Protein change: p.Thr184Met; replaces threonine 184 with methionine.
Molecular consequence: missense variant. On other transcripts: 5 prime UTR variant (1).
Genome position (GRCh38, 1-based): chr17:19,656,445, C>T. VCF-style: chr17-19656445-C-T. GRCh37 (hg19) VCF-style: chr17-19559758-C-T.
Other names: c.551C>T, p.Thr184Met (NM_001031806.2, NM_001369136.1, NM_001369137.2 and 3 more transcripts); c.-29C>T (NM_001369148.2); short protein forms T184M.
Identifiers: ClinVar variation 188768 (VCV000188768.26), dbSNP rs72547562, ClinGen allele CA199055.